The following is an entry in ClinVar:

ClinVar aggregate classification (germline): Uncertain significance (1 of 4 stars; one submission).

Conditions:
Tuberous sclerosis 2 (TSC2). Identifiers: Orphanet 805, MedGen C1860707, MONDO:0013199, OMIM 613254.

Allele frequency attached by ClinVar (database versions not stated): gnomAD exomes below 0.00001; ExAC 0.00001; TOPMed 0.00001.
gnomAD v4.1: 1 of 1,613,944 alleles (0.000062%); highest among the groups gnomAD compares: East Asian, 0.0022%; no homozygotes.

Submission:

Labcorp Genetics (formerly Invitae), Labcorp
Classification: Uncertain significance for Tuberous sclerosis 2. Last evaluated: 2024-11-25. Review status: criteria provided, single submitter. Criteria: Invitae Variant Classification Sherloc (09022015). Collection method: clinical testing. Allele origin: germline.
Comment: This sequence change falls in intron 2 of the TSC2 gene. It does not directly change the encoded amino acid sequence of the TSC2 protein. This variant is present in population databases (rs748932830, gnomAD 0.006%). This variant has not been reported in the literature in individuals affected with TSC2-related conditions. ClinVar contains an entry for this variant (Variation ID: 406023). Algorithms developed to predict the effect of sequence changes on RNA splicing suggest that this variant may create or strengthen a splice site. In summary, the available evidence is currently insufficient to determine the role of this variant in disease. Therefore, it has been classified as a Variant of Uncertain Significance.

NM_000548.5(TSC2):c.138+10C>G

Gene: TSC2 (TSC complex subunit 2; plus strand). Cytogenetic location: 16p13.3.
Variant type: single nucleotide variant.
Coding change: c.138+10C>G on transcript NM_000548.5 (MANE Select); 10 bases into the intron after coding-DNA position 138, C replaced by G.
Molecular consequence: intron variant.
Genome position (GRCh38, 1-based): chr16:2,048,763, C>G. VCF-style: chr16-2048763-C-G. GRCh37 (hg19) VCF-style: chr16-2098764-C-G.
Other names: c.138+10C>G (NM_001114382.3, NM_021055.3, NM_001370405.1 and 4 more transcripts); c.-89+10C>G (NM_001318831.2); c.-10+698C>G (NM_001318829.2); c.171+10C>G (NM_001318832.2).
Identifiers: ClinVar variation 406023 (VCV000406023.6), dbSNP rs748932830, ClinGen allele CA029771.